The following is an entry in ClinVar:

NM_003701.4(TNFSF11):c.403G>T (p.Val135Phe)

Genes: TNFSF11 (TNF superfamily member 11; plus strand), LOC126861753 (P300/CBP strongly-dependent group 1 enhancer GRCh37_chr13:43174688-43175887; plus strand). Cytogenetic location: 13q14.11.
Variant type: single nucleotide variant.
Coding change: c.403G>T on transcript NM_003701.4 (MANE Select); coding-DNA position 403, G replaced by T.
Protein change: p.Val135Phe; replaces valine 135 with phenylalanine.
Molecular consequence: missense variant.
Genome position (GRCh38, 1-based): chr13:42,600,767, G>T. VCF-style: chr13-42600767-G-T. GRCh37 (hg19) VCF-style: chr13-43174903-G-T.
Other names: c.184G>T, p.Val62Phe (NM_033012.4); short protein forms V62F, V135F.
Identifiers: ClinVar variation 1923644 (VCV001923644.5), dbSNP rs201389502, ClinGen allele CA388219069.

ClinVar aggregate classification (germline): Uncertain significance (1 of 4 stars; one submission).

gnomAD v4.1: 2 of 1,613,806 alleles (0.00012%); highest among the groups gnomAD compares: Non-Finnish European, 0.00017%; no homozygotes.

Submission:

Labcorp Genetics (formerly Invitae), Labcorp
Classification: Uncertain significance. Last evaluated: 2022-06-02. Review status: criteria provided, single submitter. Criteria: Invitae Variant Classification Sherloc (09022015). Collection method: clinical testing. Allele origin: germline.
Comment: In summary, the available evidence is currently insufficient to determine the role of this variant in disease. Therefore, it has been classified as a Variant of Uncertain Significance. Algorithms developed to predict the effect of missense changes on protein structure and function (SIFT, PolyPhen-2, Align-GVGD) all suggest that this variant is likely to be tolerated. This variant has not been reported in the literature in individuals affected with TNFSF11-related conditions. This variant is not present in population databases (gnomAD no frequency). This sequence change replaces valine, which is neutral and non-polar, with phenylalanine, which is neutral and non-polar, at codon 135 of the TNFSF11 protein (p.Val135Phe).